The following is an entry in ClinVar:

NM_025099.6(CTC1):c.1785_1786del (p.Cys596fs)

Gene: CTC1 (CST telomere replication complex component 1; minus strand). Cytogenetic location: 17p13.1.
Variant type: Microsatellite.
Coding change: c.1785_1786del on transcript NM_025099.6 (MANE Select); coding-DNA positions 1785 to 1786, 2 bases deleted (CT; older notation c.1785_1786delCT).
Protein change: p.Cys596fs; shifts the reading frame from cysteine 596.
Molecular consequence: frameshift variant. On other transcripts: non-coding transcript variant (1).
Genome position (GRCh38, 1-based): chr17:8,234,487-8,234,488, AG deleted on the plus strand (CT on the coding strand, the reverse complement: CTC1 is on the minus strand); deleting any 2 consecutive bases within chr17:8,234,487-8,234,490 gives the same sequence; the c. name uses the placement nearest the transcript's 3' end. VCF-style (leftmost placement, unchanged base first): chr17-8234486-CAG-C. GRCh37 (hg19) VCF-style: chr17-8137804-CAG-C.
Other names: c.1785_1786del, p.Cys596fs (NM_001411067.1); short protein forms C596fs.
Identifiers: ClinVar variation 2992174 (VCV002992174.5), dbSNP rs1332374941, ClinGen allele CA624869530.
Genomic context (GRCh38, chr17:8,234,486, plus strand): 5'-CACCTGAGCCCTGCTAGGGTCCCCCTTACCTGGGCTGGGCAGAAGGCAGAGGGCAGCAGA[CAG>C]AGCCAGGACCAAGCCAGGCGGCGATTGAGTTGGCAGCTGGGCAGGTAGGAGGCCTCCGGG-3'

ClinVar aggregate classification (germline): Pathogenic/Likely pathogenic. Review status: criteria provided, multiple submitters, no conflicts (2 of 4 stars). 2 submissions from 2 submitters: Pathogenic (1); Likely pathogenic (1). Last evaluated 2025-11-19.

Conditions:
CTC1-related dyskeratosis congenita.
Dyskeratosis congenita. Identifiers: Orphanet 1775, MedGen C0265965, MONDO:0015780.

Submissions (2):

Dasa
Classification: Likely pathogenic for CTC1-related dyskeratosis congenita. Last evaluated: 2025-11-19. Review status: criteria provided, single submitter. Criteria: DASA Assertion Criteria. Collection method: clinical testing. Allele origin: germline.
Comment: NM_025099.6(CTC1):c.1785_1786del (p.Cys596Serfs*22) is a frameshift variant in CTC1 predicted to alter the reading frame and introduce a premature termination codon and is predicted to result in an absent or altered protein product. Loss of function is an established disease mechanism for CTC1-associated disorders. Also, this variant is rare in population databases. Based on the currently available evidence, this variant is classified as likely pathogenic.

Labcorp Genetics (formerly Invitae), Labcorp
Classification: Pathogenic for Dyskeratosis congenita. Last evaluated: 2025-06-12. Review status: criteria provided, single submitter. Criteria: Invitae Variant Classification Sherloc (09022015). Collection method: clinical testing. Allele origin: germline.
Comment: This sequence change creates a premature translational stop signal (p.Cys596Serfs*22) in the CTC1 gene. It is expected to result in an absent or disrupted protein product. Loss-of-function variants in CTC1 are known to be pathogenic (PMID: 22267198, 22387016). This variant is present in population databases (no rsID available, gnomAD 0.004%). This variant has not been reported in the literature in individuals affected with CTC1-related conditions. For these reasons, this variant has been classified as Pathogenic.

Literature cited by the submitters: PubMed 22267198 (cited by Labcorp Genetics (formerly Invitae), Labcorp); PubMed 22387016 (cited by Labcorp Genetics (formerly Invitae), Labcorp).